The following is an entry in ClinVar:

ClinVar aggregate classification (germline): Conflicting classifications of pathogenicity. Review status: criteria provided, conflicting classifications (1 of 4 stars). 2 submissions from 2 submitters: Uncertain significance (1); Likely benign (1). Last evaluated 2026-01-04.

Conditions:
BAP1-related tumor predisposition syndrome (TPDS1). Also called: Tumor susceptibility linked to germline BAP1 mutations; COMMON Syndrome; TUMOR PREDISPOSITION SYNDROME 1; BAP1 tumor predisposition syndrome. Identifiers: Orphanet 289539, MedGen C3280492, MONDO:0013692, OMIM 614327.
Hereditary cancer-predisposing syndrome. Also called: Hereditary neoplastic syndrome; Tumor predisposition; Neoplastic Syndromes, Hereditary; Hereditary Cancer Syndrome. Identifiers: Orphanet 140162, MedGen C0027672, MeSH D009386, MONDO:0015356.

Allele frequency attached by ClinVar (database versions not stated): gnomAD exomes below 0.00001; TOPMed below 0.00001; gnomAD 0.00001.
gnomAD v4.1: 2 of 1,614,178 alleles (0.00012%); highest among the groups gnomAD compares: African/African-American, 0.0013%; no homozygotes.

Submissions (2):

Labcorp Genetics (formerly Invitae), Labcorp
Classification: Uncertain significance for BAP1-related tumor predisposition syndrome. Last evaluated: 2026-01-04. Review status: criteria provided, single submitter. Criteria: Invitae Variant Classification Sherloc (09022015). Collection method: clinical testing. Allele origin: germline.
Comment: This sequence change replaces histidine, which is basic and polar, with arginine, which is basic and polar, at codon 246 of the BAP1 protein (p.His246Arg). This variant is not present in population databases (gnomAD no frequency). This variant has not been reported in the literature in individuals affected with BAP1-related conditions. ClinVar contains an entry for this variant (Variation ID: 953503). Invitae Evidence Modeling of protein sequence and biophysical properties (such as structural, functional, and spatial information, amino acid conservation, physicochemical variation, residue mobility, and thermodynamic stability) indicates that this missense variant is not expected to disrupt BAP1 protein function with a negative predictive value of 80%. In summary, the available evidence is currently insufficient to determine the role of this variant in disease. Therefore, it has been classified as a Variant of Uncertain Significance.

Ambry Genetics
Classification: Likely benign for Hereditary cancer-predisposing syndrome. Last evaluated: 2025-08-27. Review status: criteria provided, single submitter. Criteria: Ambry Variant Classification Scheme 2023. Collection method: clinical testing. Allele origin: germline.

Literature cited by the submitters: PubMed 38969833 (cited by Ambry Genetics).

NM_004656.4(BAP1):c.737A>G (p.His246Arg)

Gene: BAP1 (BRCA1 associated deubiquitinase 1; minus strand). Cytogenetic location: 3p21.1.
Variant type: single nucleotide variant.
Coding change: c.737A>G on transcript NM_004656.4 (MANE Select); coding-DNA position 737, A replaced by G.
Protein change: p.His246Arg; replaces histidine 246 with arginine.
Molecular consequence: missense variant.
Genome position (GRCh38, 1-based): chr3:52,406,299, T>C on the plus strand (A>G on the coding strand, the complement: BAP1 is on the minus strand). VCF-style: chr3-52406299-T-C. GRCh37 (hg19) VCF-style: chr3-52440315-T-C.
Other names: short protein forms H246R.
Identifiers: ClinVar variation 953503 (VCV000953503.10), dbSNP rs1705155794, ClinGen allele CA353107205.